The following is an entry in ClinVar:

NM_002148.4(HOXD10):c.*643C>T

Gene: HOXD10 (homeobox D10; plus strand). Cytogenetic location: 2q31.1.
Variant type: single nucleotide variant.
Coding change: c.*643C>T on transcript NM_002148.4 (MANE Select); 643 bases downstream of the stop codon, C replaced by T.
Molecular consequence: 3 prime UTR variant.
Genome position (GRCh38, 1-based): chr2:176,119,874, C>T. VCF-style: chr2-176119874-C-T. GRCh37 (hg19) VCF-style: chr2-176984602-C-T.
Identifiers: ClinVar variation 893623 (VCV000893623.4), dbSNP rs552102680, ClinGen allele CA60874326.

ClinVar aggregate classification (germline): Benign (1 of 4 stars; one submission).

Conditions:
Congenital vertical talus. Also called: PES VALGUS, CONGENITAL CONVEX; Rocker-bottom foot deformity. Identifiers: Orphanet 178382, MedGen C0240912, MONDO:0008652, OMIM 192950, HP:0001838.

Allele frequency attached by ClinVar (database versions not stated): gnomAD below 0.00001 and 0.00007; TOPMed 0.00003; 1000 Genomes Project 30x 0.00047; 1000 Genomes Project 0.00060.

Submission:

Illumina Laboratory Services, Illumina
Classification: Benign for Congenital vertical talus. Last evaluated: 2018-01-13. Review status: criteria provided, single submitter. Criteria: ICSL Variant Classification Criteria 13 December 2019. Collection method: clinical testing. Allele origin: germline.
Comment: This variant was observed in the ICSL laboratory as part of a predisposition screen in an ostensibly healthy population. It had not been previously curated by ICSL or reported in the Human Gene Mutation Database (HGMD: prior to June 1st, 2018), and was therefore a candidate for classification through an automated scoring system. Utilizing variant allele frequency, disease prevalence and penetrance estimates, and inheritance mode, an automated score was calculated to assess if this variant is too frequent to cause the disease. Based on the score and internal cut-off values, a variant classified as benign is not then subjected to further curation. The score for this variant resulted in a classification of benign for this disease.